The following is an entry in ClinVar:

ClinVar aggregate classification (germline): Uncertain significance (1 of 4 stars; one submission).

Submission:

Ambry Genetics
Classification: Uncertain significance. Last evaluated: 2024-12-21. Review status: criteria provided, single submitter. Criteria: Ambry Variant Classification Scheme 2023. Collection method: clinical testing. Allele origin: germline.
Comment: The p.C398R variant (also known as c.1192T>C), located in coding exon 11 of the SLMAP gene, results from a T to C substitution at nucleotide position 1192. The cysteine at codon 398 is replaced by arginine, an amino acid with highly dissimilar properties. This amino acid position is conserved. In addition, the in silico prediction for this alteration is inconclusive. Based on the available evidence, the clinical significance of this variant remains unclear.

NM_001377540.1(SLMAP):c.1294T>C (p.Cys432Arg)

Gene: SLMAP (sarcolemma associated protein; plus strand). Cytogenetic location: 3p14.3.
Variant type: single nucleotide variant.
Coding change: c.1294T>C on transcript NM_001377540.1 (MANE Select); coding-DNA position 1294, T replaced by C.
Protein change: p.Cys432Arg; replaces cysteine 432 with arginine.
Molecular consequence: missense variant. On other transcripts: non-coding transcript variant (1), intron variant (9).
Genome position (GRCh38, 1-based): chr3:57,871,692, T>C. VCF-style: chr3-57871692-T-C. GRCh37 (hg19) VCF-style: chr3-57857419-T-C.
Other names: c.1243T>C, p.Cys415Arg (NM_001304420.3, NM_001377541.1, NM_001377542.1 and 2 more transcripts); c.1294T>C, p.Cys432Arg (NM_001377538.1, NM_001377539.1, NM_001377555.1); c.1192T>C, p.Cys398Arg (NM_001377549.1, NM_001377923.1, NM_007159.5); c.1237+6400T>C (NM_001377545.1, NM_001377922.1); c.1186+6835T>C (NM_001377552.1, NM_001377551.1, NM_001377924.1); c.1135+6976T>C (NM_001377559.1, NM_001377557.1, NM_001377925.1 and 1 more transcripts); short protein forms C432R, C398R, C415R.
Identifiers: ClinVar variation 3798748 (VCV003798748.1).
Genomic context (GRCh38, chr3:57,871,692, plus strand): 5'-TTAGAGCACTTGCTTTCAAAGAGTGGCGGGGACTGCACTTTTATTCATCAATTCATAGAA[T>C]GCCAGAGTGAGTACAGAGTATTTTTCACATTGATTTTAATGAAGTCAGGGGCTAAAACTT-3'
Protein context (NP_001364469.1, residues 422-442): DCTFIHQFIE[Cys432Arg]QKKLIVEGHL